The following is an entry in ClinVar:

ClinVar aggregate classification (germline): Uncertain significance (1 of 4 stars; one submission).

Conditions:
Acute myeloid leukemia (AML). Also called: Acute myeloid leukemia, adult; AML adult; Acute non-lymphocytic leukemia; Acute granulocytic leukemia; Leukemia, acute myelogenous, somatic; Leukemia, acute myeloid, somatic. Identifiers: Orphanet 519, MedGen C0023467, MeSH D015470, MONDO:0018874, OMIM 601626, HP:0004808. Disease mechanism: Constitutively activated FLT3.

Submission:

Labcorp Genetics (formerly Invitae), Labcorp
Classification: Uncertain significance for Acute myeloid leukemia. Last evaluated: 2023-02-22. Review status: criteria provided, single submitter. Criteria: Invitae Variant Classification Sherloc (09022015). Collection method: clinical testing. Allele origin: germline.
Comment: In summary, the available evidence is currently insufficient to determine the role of this variant in disease. Therefore, it has been classified as a Variant of Uncertain Significance. Algorithms developed to predict the effect of missense changes on protein structure and function output the following: SIFT: "Not Available"; PolyPhen-2: "Benign"; Align-GVGD: "Not Available". The glycine amino acid residue is found in multiple mammalian species, which suggests that this missense change does not adversely affect protein function. ClinVar contains an entry for this variant (Variation ID: 1015244). This variant has not been reported in the literature in individuals affected with CEBPA-related conditions. This variant is not present in population databases (gnomAD no frequency). This sequence change replaces serine, which is neutral and polar, with glycine, which is neutral and non-polar, at codon 27 of the CEBPA protein (p.Ser27Gly).

NM_004364.5(CEBPA):c.79A>G (p.Ser27Gly)

Gene: CEBPA (CCAAT enhancer binding protein alpha; minus strand). Cytogenetic location: 19q13.11.
Variant type: single nucleotide variant.
Coding change: c.79A>G on transcript NM_004364.5 (MANE Select); coding-DNA position 79, A replaced by G.
Protein change: p.Ser27Gly; replaces serine 27 with glycine.
Molecular consequence: missense variant. On other transcripts: 5 prime UTR variant (1).
Genome position (GRCh38, 1-based): chr19:33,302,336, T>C on the plus strand (A>G on the coding strand, the complement: CEBPA is on the minus strand). VCF-style: chr19-33302336-T-C. GRCh37 (hg19) VCF-style: chr19-33793242-T-C.
Other names: c.-279A>G (NM_001285829.2); c.184A>G, p.Ser62Gly (NM_001287424.2); c.37A>G, p.Ser13Gly (NM_001287435.2); short protein forms S13G, S27G, S62G.
Identifiers: ClinVar variation 1015244 (VCV001015244.9), dbSNP rs1967201448, ClinGen allele CA405275720.